The following is an entry in ClinVar:

ClinVar aggregate classification (germline): Uncertain significance (1 of 4 stars; one submission).

Submission:

Ambry Genetics
Classification: Uncertain significance. Last evaluated: 2025-09-28. Review status: criteria provided, single submitter. Criteria: Ambry Variant Classification Scheme 2023. Collection method: clinical testing. Allele origin: germline.
Comment: The p.F606Y variant (also known as c.1817T>A), located in coding exon 12 of the CTNNA3 gene, results from a T to A substitution at nucleotide position 1817. The phenylalanine at codon 606 is replaced by tyrosine, an amino acid with highly similar properties. This amino acid position is conserved. In addition, this alteration is predicted to be tolerated by in silico analysis. Based on the available evidence, the clinical significance of this variant remains unclear.

NM_013266.4(CTNNA3):c.1817T>A (p.Phe606Tyr)

Gene: CTNNA3 (catenin alpha 3; minus strand). Cytogenetic location: 10q21.3.
Variant type: single nucleotide variant.
Coding change: c.1817T>A on transcript NM_013266.4 (MANE Select); coding-DNA position 1817, T replaced by A.
Protein change: p.Phe606Tyr; replaces phenylalanine 606 with tyrosine.
Molecular consequence: missense variant.
Genome position (GRCh38, 1-based): chr10:66,280,537, A>T on the plus strand (T>A on the coding strand, the complement: CTNNA3 is on the minus strand). VCF-style: chr10-66280537-A-T. GRCh37 (hg19) VCF-style: chr10-68040295-A-T.
Other names: c.1817T>A, p.Phe606Tyr (NM_001127384.3); short protein forms F606Y.
Identifiers: ClinVar variation 4657487 (VCV004657487.1).